The following is an entry in ClinVar:

NM_007294.4(BRCA1):c.1071dup (p.Leu358fs)

Gene: BRCA1 (BRCA1 DNA repair associated; minus strand). Cytogenetic location: 17q21.31.
Variant type: Duplication.
Coding change: c.1071dup on transcript NM_007294.4 (MANE Select); coding-DNA position 1071, one base duplicated (A; older notation c.1071dupA).
Protein change: p.Leu358fs; shifts the reading frame from leucine 358.
Molecular consequence: frameshift variant. On other transcripts: intron variant (137).
Genome position (GRCh38, 1-based): chr17:43,094,460, T duplicated on the plus strand (A on the coding strand, the reverse complement: BRCA1 is on the minus strand); the first of 3 consecutive T bases (chr17:43,094,460-43,094,462); duplicating any one gives the same sequence. VCF-style (leftmost placement, unchanged base first): chr17-43094459-G-GT. GRCh37 (hg19) VCF-style: chr17-41246476-G-GT.
Other names: c.858dup, p.Leu287fs (NM_001407571.1, NM_001407853.1, NM_001407894.1 and 9 more transcripts); c.1071dup, p.Leu358fs (NM_001407581.1, NM_001407582.1, NM_001407583.1 and 30 more transcripts); c.1068dup, p.Leu357fs (NM_001407587.1, NM_001407590.1, NM_001407591.1 and 22 more transcripts); c.1062dup, p.Leu355fs (NM_001407646.1, NM_001407647.1); c.948dup, p.Leu317fs (NM_001407648.1, NM_001407664.1, NM_001407665.1 and 19 more transcripts); c.945dup, p.Leu316fs (NM_001407649.1, NM_001407670.1, NM_001407671.1 and 11 more transcripts); c.993dup, p.Leu332fs (NM_001407653.1, NM_001407654.1, NM_001407655.1 and 4 more transcripts); c.990dup, p.Leu331fs (NM_001407659.1, NM_001407660.1, NM_001407661.1 and 1 more transcripts); and 41 more; short protein forms L311fs, L358fs, L246fs, L270fs, L355fs, L62fs, L190fs, L269fs.
Identifiers: ClinVar variation 937899 (VCV000937899.9), dbSNP rs2053998620, ClinGen allele CA1139664797.

ClinVar aggregate classification (germline): Pathogenic (1 of 4 stars; one submission).

Conditions:
Hereditary breast ovarian cancer syndrome. Also called: BRCA1- and BRCA2-Associated Hereditary Breast and Ovarian Cancer; Hereditary breast and/or ovarian cancer syndrome; Hereditary breast and ovarian cancer syndrome; Hereditary breast and ovarian cancer; Breast and ovarian cancer; Hereditary breast and ovarian cancer syndrome (HBOC). Identifiers: Orphanet 145, MedGen C0677776, MeSH D061325, MONDO:0003582. Disease mechanism: loss of function.

Submission:

Labcorp Genetics (formerly Invitae), Labcorp
Classification: Pathogenic for Hereditary breast ovarian cancer syndrome. Last evaluated: 2021-10-06. Review status: criteria provided, single submitter. Criteria: Invitae Variant Classification Sherloc (09022015). Collection method: clinical testing. Allele origin: germline.
Comment: For these reasons, this variant has been classified as Pathogenic. Loss-of-function variants in BRCA1 are known to be pathogenic (PMID: 20104584). This variant has not been reported in the literature in individuals with BRCA1-related conditions. This variant is not present in population databases (ExAC no frequency). This sequence change creates a premature translational stop signal (p.Leu358Thrfs*8) in the BRCA1 gene. It is expected to result in an absent or disrupted protein product.

Literature cited by the submitters: PubMed 20104584.